The following is an entry in ClinVar:

ClinVar aggregate classification (germline): Uncertain significance. Review status: criteria provided, multiple submitters, no conflicts (2 of 4 stars). 4 submissions from 4 submitters: Uncertain significance (4). Last evaluated 2026-05-01.

Conditions:
Developmental and epileptic encephalopathy, 18 (DEE18). Also called: Early infantile epileptic encephalopathy 18. Identifiers: Orphanet 369894, MedGen C3809624, MONDO:0014201, OMIM 615476.

Allele frequency attached by ClinVar (database versions not stated): gnomAD below 0.00001 and 0.00004; TOPMed 0.00001; gnomAD exomes 0.00004; ExAC 0.00007; 1000 Genomes Project 30x 0.00016; 1000 Genomes Project 0.00020.
gnomAD v4.1: 59 of 1,614,204 alleles (0.0037%); highest among the groups gnomAD compares: South Asian, 0.06%; 1 homozygote.

Submissions (4):

CeGaT Center for Human Genetics Tuebingen
Classification: Uncertain significance. Last evaluated: 2026-05-01. Review status: criteria provided, single submitter. Criteria: CeGaT Center For Human Genetics Tuebingen Variant Classification Criteria Version 2. Collection method: clinical testing. Allele origin: germline. Affected: yes. Observed: 1 variant allele.
Comment: SZT2: PM2, BP4

GeneDx
Classification: Uncertain significance. Last evaluated: 2024-12-19. Review status: criteria provided, single submitter. Criteria: GeneDx Variant Classification Process June 2021. Collection method: clinical testing. Allele origin: germline. Affected: yes.
Comment: In silico analysis indicates that this missense variant does not alter protein structure/function; Has not been previously published as pathogenic or benign to our knowledge

Genome-Nilou Lab
Classification: Uncertain significance for Developmental and epileptic encephalopathy, 18. Last evaluated: 2023-04-11. Review status: criteria provided, single submitter. Criteria: ACMG Guidelines, 2015. Collection method: clinical testing. Allele origin: germline. Affected: no.

Labcorp Genetics (formerly Invitae), Labcorp
Classification: Uncertain significance. Last evaluated: 2021-09-01. Review status: criteria provided, single submitter. Criteria: Invitae Variant Classification Sherloc (09022015). Collection method: clinical testing. Allele origin: germline.
Comment: This sequence change replaces lysine with arginine at codon 862 of the SZT2 protein (p.Lys862Arg). The lysine residue is moderately conserved and there is a small physicochemical difference between lysine and arginine. This variant is present in population databases (rs530645704, ExAC 0.05%). This variant has not been reported in the literature in individuals affected with SZT2-related conditions. Algorithms developed to predict the effect of missense changes on protein structure and function output the following: SIFT: "Tolerated"; PolyPhen-2: "Benign"; Align-GVGD: "Class C0". The arginine amino acid residue is found in multiple mammalian species, which suggests that this missense change does not adversely affect protein function. In summary, the available evidence is currently insufficient to determine the role of this variant in disease. Therefore, it has been classified as a Variant of Uncertain Significance.

NM_001365999.1(SZT2):c.2585A>G (p.Lys862Arg)

Gene: SZT2 (SZT2 subunit of KICSTOR complex; plus strand). Cytogenetic location: 1p34.2.
Variant type: single nucleotide variant.
Coding change: c.2585A>G on transcript NM_001365999.1 (MANE Select); coding-DNA position 2585, A replaced by G.
Protein change: p.Lys862Arg; replaces lysine 862 with arginine.
Molecular consequence: missense variant.
Genome position (GRCh38, 1-based): chr1:43,425,147, A>G. VCF-style: chr1-43425147-A-G. GRCh37 (hg19) VCF-style: chr1-43890818-A-G.
Other names: c.2585A>G, p.Lys862Arg (NM_015284.4); short protein forms K862R.
Identifiers: ClinVar variation 649244 (VCV000649244.14), dbSNP rs530645704, ClinGen allele CA808748.